The following is an entry in ClinVar:

ClinVar aggregate classification (germline): Uncertain significance (1 of 4 stars; one submission).

Allele frequency attached by ClinVar (database versions not stated): gnomAD exomes below 0.00001.
gnomAD v4.1: 1 of 1,611,002 alleles (0.000062%); highest among the groups gnomAD compares: Non-Finnish European, 0.000085%; no homozygotes.

Submission:

Labcorp Genetics (formerly Invitae), Labcorp
Classification: Uncertain significance. Last evaluated: 2022-09-17. Review status: criteria provided, single submitter. Criteria: Invitae Variant Classification Sherloc (09022015). Collection method: clinical testing. Allele origin: germline.
Comment: Algorithms developed to predict the effect of missense changes on protein structure and function are either unavailable or do not agree on the potential impact of this missense change (SIFT: "Not Available"; PolyPhen-2: "Probably Damaging"; Align-GVGD: "Not Available"). This variant has not been reported in the literature in individuals affected with IKZF1-related conditions. This variant is not present in population databases (gnomAD no frequency). This sequence change replaces aspartic acid, which is acidic and polar, with glycine, which is neutral and non-polar, at codon 186 of the IKZF1 protein (p.Asp186Gly). In summary, the available evidence is currently insufficient to determine the role of this variant in disease. Therefore, it has been classified as a Variant of Uncertain Significance.

NM_006060.6(IKZF1):c.557A>G (p.Asp186Gly)

Gene: IKZF1 (IKAROS family zinc finger 1; plus strand). Cytogenetic location: 7p12.2.
Variant type: single nucleotide variant.
Coding change: c.557A>G on transcript NM_006060.6 (MANE Select); coding-DNA position 557, A replaced by G.
Protein change: p.Asp186Gly; replaces aspartic acid 186 with glycine.
Molecular consequence: missense variant. On other transcripts: intron variant (6).
Genome position (GRCh38, 1-based): chr7:50,382,675, A>G. VCF-style: chr7-50382675-A-G. GRCh37 (hg19) VCF-style: chr7-50450373-A-G.
Other names: c.557A>G, p.Asp186Gly (NM_001220765.3, NM_001220768.2, NM_001291837.2); c.296A>G, p.Asp99Gly (NM_001220767.2, NM_001220770.2, NM_001291838.2 and 1 more transcripts); c.617A>G, p.Asp206Gly (NM_001410879.1); c.421+5882A>G (NM_001220771.2); c.161-4670A>G (NM_001291841.1, NM_001291842.1); c.161-9054A>G (NM_001291843.1, NM_001291844.1); c.161-17243A>G (NM_001291840.1); short protein forms D186G, D99G, D206G.
Identifiers: ClinVar variation 2031008 (VCV002031008.4), dbSNP rs2153477995, ClinGen allele CA367531469.